The following is an entry in ClinVar:

NM_001105206.3(LAMA4):c.4168C>T (p.Arg1390Trp)

Gene: LAMA4 (laminin subunit alpha 4; minus strand). Cytogenetic location: 6q21.
Variant type: single nucleotide variant.
Coding change: c.4168C>T on transcript NM_001105206.3 (MANE Select); coding-DNA position 4168, C replaced by T.
Protein change: p.Arg1390Trp; replaces arginine 1390 with tryptophan.
Molecular consequence: missense variant.
Genome position (GRCh38, 1-based): chr6:112,129,041, G>A on the plus strand (C>T on the coding strand, the complement: LAMA4 is on the minus strand). VCF-style: chr6-112129041-G-A. GRCh37 (hg19) VCF-style: chr6-112450243-G-A.
Other names: c.4147C>T, p.Arg1383Trp (NM_001105207.3, NM_002290.5); short protein forms R1383W, R1390W.
Identifiers: ClinVar variation 44382 (VCV000044382.14), dbSNP rs200189282, ClinGen allele CA134040.

ClinVar aggregate classification (germline): Uncertain significance. Review status: criteria provided, multiple submitters, no conflicts (2 of 4 stars). 4 submissions from 4 submitters: Uncertain significance (4). Last evaluated 2026-01-03.

Conditions:
Cardiovascular phenotype. Identifiers: MedGen CN230736.
Dilated cardiomyopathy 1JJ (CMD1JJ). Identifiers: Orphanet 154, MedGen C3808935, MONDO:0014095, OMIM 615235.

Allele frequency attached by ClinVar (database versions not stated): gnomAD exomes 0.00002 and 0.00003; TOPMed 0.00002; gnomAD 0.00006; ExAC 0.00002; 1000 Genomes Project 30x 0.00016; 1000 Genomes Project 0.00020.
gnomAD v4.1: 32 of 1,612,280 alleles (0.002%); highest among the groups gnomAD compares: African/African-American, 0.004%; no homozygotes.

Submissions (4):

Labcorp Genetics (formerly Invitae), Labcorp
Classification: Uncertain significance for Dilated cardiomyopathy 1JJ. Last evaluated: 2026-01-03. Review status: criteria provided, single submitter. Criteria: Invitae Variant Classification Sherloc (09022015). Collection method: clinical testing. Allele origin: germline.
Comment: This sequence change replaces arginine, which is basic and polar, with tryptophan, which is neutral and slightly polar, at codon 1383 of the LAMA4 protein (p.Arg1383Trp). This variant is present in population databases (rs200189282, gnomAD 0.008%). This variant has not been reported in the literature in individuals affected with LAMA4-related conditions. ClinVar contains an entry for this variant (Variation ID: 44382). Invitae Evidence Modeling of protein sequence and biophysical properties (such as structural, functional, and spatial information, amino acid conservation, physicochemical variation, residue mobility, and thermodynamic stability) indicates that this missense variant is not expected to disrupt LAMA4 protein function with a negative predictive value of 80%. In summary, the available evidence is currently insufficient to determine the role of this variant in disease. Therefore, it has been classified as a Variant of Uncertain Significance.

Ambry Genetics
Classification: Uncertain significance for Cardiovascular phenotype. Last evaluated: 2023-06-22. Review status: criteria provided, single submitter. Criteria: Ambry General Variant Classification Scheme_2022. Collection method: clinical testing. Allele origin: germline.
Comment: The p.R1383W variant (also known as c.4147C>T), located in coding exon 30 of the LAMA4 gene, results from a C to T substitution at nucleotide position 4147. The arginine at codon 1383 is replaced by tryptophan, an amino acid with dissimilar properties. This amino acid position is well conserved in available vertebrate species. In addition, this alteration is predicted to be tolerated by in silico analysis. The evidence for this gene-disease relationship is limited; therefore, the clinical significance of this alteration is unclear.

Laboratory for Molecular Medicine, Mass General Brigham Personalized Medicine
Classification: Uncertain significance. Last evaluated: 2016-03-02. Review status: criteria provided, single submitter. Criteria: LMM Criteria. Collection method: clinical testing. Allele origin: germline. Observed: 3 variant alleles.
Comment: This variant has been identified in 1/66628 European chromosomes by the Exome Aggregation Consortium (ExAC; dbSNP rs200189282). Computational prediction tools and conservation ana lysis do not provide strong support for or against an impact to the protein. In summary, the clinical significance of the p.Arg1383Trp variant is uncertain.

Biesecker Lab/Clinical Genomics Section, National Institutes of Health
Classification: Uncertain significance. Last evaluated: 2013-06-24. Review status: criteria provided, single submitter. Criteria: Ng et al. (Circ Cardiovasc Genet. 2013). Collection method: research. Allele origin: unknown. Observed: 1 variant allele. Study: ClinSeq.
Comment: The study set was not selected for affection status in relation to any cancer. Pathogenicity categories were based on literature curation. See Pubmed ID:23861362 for details.

Medical sequencing